The following is an entry in ClinVar:

NM_000256.3(MYBPC3):c.3017C>A (p.Thr1006Asn)

Gene: MYBPC3 (myosin binding protein C3; minus strand). Cytogenetic location: 11p11.2.
Variant type: single nucleotide variant.
Coding change: c.3017C>A on transcript NM_000256.3 (MANE Select); coding-DNA position 3017, C replaced by A.
Protein change: p.Thr1006Asn; replaces threonine 1006 with asparagine.
Molecular consequence: missense variant.
Genome position (GRCh38, 1-based): chr11:47,333,730, G>T on the plus strand (C>A on the coding strand, the complement: MYBPC3 is on the minus strand). VCF-style: chr11-47333730-G-T. GRCh37 (hg19) VCF-style: chr11-47355281-G-T.
Other names: short protein forms T1006N.
Identifiers: ClinVar variation 1284594 (VCV001284594.5), dbSNP rs778132423, ClinGen allele CA013329.

ClinVar aggregate classification (germline): Uncertain significance. Review status: criteria provided, single submitter (1 of 4 stars). 4 submissions from 4 submitters: Uncertain significance (1). 3 of the submissions do not count toward it. Last evaluated 2025-10-13.

Conditions:
MYBPC3-related disorder. Also called: MYBPC3-related condition; MYBPC3-related disease; MYBPC3-related disorders.
Hypertrophic cardiomyopathy. Also called: HYPERTROPHIC MYOCARDIOPATHY. Identifiers: Orphanet 217569, MedGen C0007194, MeSH D002312, MONDO:0005045, HP:0001639.

Allele frequency attached by ClinVar (database versions not stated): gnomAD exomes below 0.00001; ExAC 0.00001.
gnomAD v4.1: 8 of 1,604,902 alleles (0.0005%); highest among the groups gnomAD compares: South Asian, 0.0066%; no homozygotes.

Submissions (4):

Labcorp Genetics (formerly Invitae), Labcorp
Classification: Uncertain significance for Hypertrophic cardiomyopathy. Last evaluated: 2025-10-13. Review status: criteria provided, single submitter. Criteria: Invitae Variant Classification Sherloc (09022015). Collection method: clinical testing. Allele origin: germline.
Comment: This sequence change replaces threonine, which is neutral and polar, with asparagine, which is neutral and polar, at codon 1006 of the MYBPC3 protein (p.Thr1006Asn). The frequency data for this variant in the population databases is considered unreliable, as metrics indicate poor data quality at this position in the gnomAD database. This variant has not been reported in the literature in individuals affected with MYBPC3-related conditions. ClinVar contains an entry for this variant (Variation ID: 1284594). An algorithm developed to predict the effect of missense changes on protein structure and function (PolyPhen-2) suggests that this variant is likely to be disruptive. In summary, the available evidence is currently insufficient to determine the role of this variant in disease. Therefore, it has been classified as a Variant of Uncertain Significance.

PreventionGenetics, part of Exact Sciences
Classification: Uncertain significance for MYBPC3-related condition. Last evaluated: 2024-08-30. Review status: no assertion criteria provided. Collection method: clinical testing. Allele origin: germline. Not counted in ClinVar's aggregate classification.
Comment: The MYBPC3 c.3017C>A variant is predicted to result in the amino acid substitution p.Thr1006Asn. To our knowledge, this variant has not been reported in the literature. This variant is reported in 0.0065% of alleles in individuals of African descent in gnomAD. At this time, the clinical significance of this variant is uncertain due to the absence of conclusive functional and genetic evidence.

Clinical Genetics DNA and cytogenetics Diagnostics Lab, Erasmus MC, Erasmus Medical Center
Classification: Uncertain significance. Review status: no assertion criteria provided. Collection method: clinical testing. Allele origin: germline. Affected: yes. Study: VKGL Data-share Consensus. Not counted in ClinVar's aggregate classification.

Clinical Genetics, Academic Medical Center
Classification: Uncertain significance. Review status: no assertion criteria provided. Collection method: clinical testing. Allele origin: germline. Affected: yes. Study: VKGL Data-share Consensus. Not counted in ClinVar's aggregate classification.